The following is an entry in ClinVar:

NM_020821.3(VPS13C):c.4000_4001delinsAA (p.Ser1334Asn)

Gene: VPS13C (vacuolar protein sorting 13 homolog C; minus strand). Cytogenetic location: 15q22.2.
Variant type: Indel.
Coding change: c.4000_4001delinsAA on transcript NM_020821.3 (MANE Select); coding-DNA positions 4000 to 4001, TC replaced by AA.
Protein change: p.Ser1334Asn; replaces serine 1334 with asparagine.
Molecular consequence: missense variant.
Genome position (GRCh38, 1-based): chr15:61,959,503-61,959,504, GA replaced by TT on the plus strand (TC replaced by AA on the coding strand, the reverse complement: VPS13C is on the minus strand). VCF-style: chr15-61959503-GA-TT. GRCh37 (hg19) VCF-style: chr15-62251702-GA-TT.
Other names: c.4000_4001delinsAA, p.Ser1334Asn (NM_001018088.3); c.3871_3872delinsAA, p.Ser1291Asn (NM_017684.5, NM_018080.4); short protein forms S1334N, S1291N.
Identifiers: ClinVar variation 2047192 (VCV002047192.4), dbSNP rs2547976219, ClinGen allele CA2580089833.

ClinVar aggregate classification (germline): Uncertain significance (1 of 4 stars; one submission).

Submission:

Labcorp Genetics (formerly Invitae), Labcorp
Classification: Uncertain significance. Last evaluated: 2023-05-15. Review status: criteria provided, single submitter. Criteria: Invitae Variant Classification Sherloc (09022015). Collection method: clinical testing. Allele origin: germline.
Comment: This sequence change replaces serine, which is neutral and polar, with asparagine, which is neutral and polar, at codon 1334 of the VPS13C protein (p.Ser1334Asn). In summary, the available evidence is currently insufficient to determine the role of this variant in disease. Therefore, it has been classified as a Variant of Uncertain Significance. An algorithm developed to predict the effect of missense changes on protein structure and function (PolyPhen-2) suggests that this variant is likely to be tolerated. ClinVar contains an entry for this variant (Variation ID: 2047192). This variant has not been reported in the literature in individuals affected with VPS13C-related conditions. Information on the frequency of this variant in the gnomAD database is not available, as this variant may be reported differently in the database.